The following is an entry in ClinVar:

ClinVar aggregate classification (germline): Uncertain significance. Review status: criteria provided, multiple submitters, no conflicts (2 of 4 stars). 4 submissions from 4 submitters: Uncertain significance (4). Last evaluated 2026-03-05.

Conditions:
Wilson disease (WND). Also called: Wilson's disease. Identifiers: Orphanet 905, MedGen C0019202, MONDO:0010200, OMIM 277900. Disease mechanism: loss of function.

Allele frequency attached by ClinVar (database versions not stated): gnomAD 0.00001; gnomAD exomes 0.00001 and 0.00002; ExAC 0.00002; TOPMed 0.00002.
gnomAD v4.1: 10 of 1,613,746 alleles (0.00062%); highest among the groups gnomAD compares: Admixed American, 0.015%; no homozygotes.

Submissions (4):

Women's Health and Genetics/Laboratory Corporation of America, LabCorp
Classification: Uncertain significance. Last evaluated: 2026-03-05. Review status: criteria provided, single submitter. Criteria: LabCorp Variant Classification Summary - May 2015. Collection method: clinical testing. Allele origin: germline.

Labcorp Genetics (formerly Invitae), Labcorp
Classification: Uncertain significance for Wilson disease. Last evaluated: 2025-04-07. Review status: criteria provided, single submitter. Criteria: Invitae Variant Classification Sherloc (09022015). Collection method: clinical testing. Allele origin: germline.
Comment: This sequence change replaces glutamine, which is neutral and polar, with arginine, which is basic and polar, at codon 7 of the ATP7B protein (p.Gln7Arg). This variant is present in population databases (rs764340318, gnomAD 0.01%). This variant has not been reported in the literature in individuals affected with ATP7B-related conditions. ClinVar contains an entry for this variant (Variation ID: 1396620). Invitae Evidence Modeling of protein sequence and biophysical properties (such as structural, functional, and spatial information, amino acid conservation, physicochemical variation, residue mobility, and thermodynamic stability) indicates that this missense variant is not expected to disrupt ATP7B protein function with a negative predictive value of 95%. In summary, the available evidence is currently insufficient to determine the role of this variant in disease. Therefore, it has been classified as a Variant of Uncertain Significance.

All of Us Research Program, National Institutes of Health
Classification: Uncertain significance for Wilson disease. Last evaluated: 2024-08-06. Review status: criteria provided, single submitter. Criteria: ACMG Guidelines, 2015. Collection method: clinical testing. Allele origin: germline. Inheritance: Autosomal recessive inheritance. Observed: 4 variant alleles, 4 heterozygotes.
Comment: This missense variant replaces glutamine with arginine at codon 7 of the ATP7B protein. Computational prediction suggests that this variant may not impact protein structure and function (internally defined REVEL score threshold <= 0.5, PMID: 27666373). To our knowledge, functional studies have not been reported for this variant. This variant has not been reported in individuals affected with ATP7B-related disorders in the literature. This variant has been identified in 6/249438 chromosomes in the general population by the Genome Aggregation Database (gnomAD). The available evidence is insufficient to determine the role of this variant in disease conclusively. Therefore, this variant is classified as a Variant of Uncertain Significance.

This study involves interpretation of variants in research participants for the purpose of population health screening. Participant phenotype was not available at the time of variant classification. Additional details can be found in publication PMID: 35346344, PMCID: PMC8962531

Color Diagnostics, LLC DBA Color Health
Classification: Uncertain significance for Wilson disease. Last evaluated: 2023-04-06. Review status: criteria provided, single submitter. Criteria: ACMG Guidelines, 2015. Collection method: clinical testing. Allele origin: germline.
Comment: This missense variant replaces glutamine with arginine at codon 7 of the ATP7B protein. Computational prediction suggests that this variant may not impact protein structure and function. To our knowledge, functional studies have not been reported for this variant. This variant has not been reported in individuals affected with ATP7B-related disorders in the literature. This variant has been identified in 6/249438 chromosomes in the general population by the Genome Aggregation Database (gnomAD). The available evidence is insufficient to determine the role of this variant in disease conclusively. Therefore, this variant is classified as a Variant of Uncertain Significance.

NM_000053.4(ATP7B):c.20A>G (p.Gln7Arg)

Gene: ATP7B (ATPase copper transporting beta; minus strand). Cytogenetic location: 13q14.3.
Variant type: single nucleotide variant.
Coding change: c.20A>G on transcript NM_000053.4 (MANE Select); coding-DNA position 20, A replaced by G.
Protein change: p.Gln7Arg; replaces glutamine 7 with arginine.
Molecular consequence: missense variant.
Genome position (GRCh38, 1-based): chr13:52,011,318, T>C on the plus strand (A>G on the coding strand, the complement: ATP7B is on the minus strand). VCF-style: chr13-52011318-T-C. GRCh37 (hg19) VCF-style: chr13-52585454-T-C.
Other names: c.20A>G, p.Gln7Arg (NM_001330579.2, NM_001005918.3, NM_001243182.2 and 1 more transcripts); short protein forms Q7R.
Identifiers: ClinVar variation 1396620 (VCV001396620.10), dbSNP rs764340318, ClinGen allele CA6989717.